The following is an entry in ClinVar:

NC_000009.11:g.(79933508_79934487)_(79934590_79936084)del

Gene: VPS13A (vacuolar protein sorting 13 homolog A; plus strand). Cytogenetic location: 9q21.2.
Variant type: Deletion.
Identifiers: ClinVar variation 3769382 (VCV003769382.2).

ClinVar aggregate classification (germline): Uncertain significance (1 of 4 stars; one submission).

Submission:

Women's Health and Genetics/Laboratory Corporation of America, LabCorp
Classification: Uncertain significance. Last evaluated: 2025-01-28. Review status: criteria provided, single submitter. Criteria: LabCorp Variant Classification Summary - May 2015. Collection method: clinical testing. Allele origin: germline.
Comment: Variant summary: The variant involves the deletion of exon 42 in the VPS13A gene. A presumed nomenclature of c.(5313+1_5314-1)_(5415+1_5416-1)del has been designated for the purposes of this classification. This Copy Number Variant (CNV) is predicted to result in an in-frame deletion within this gene. There were no occurrences of this variant or similar deletions in gnomAD. The available data on variant occurrences in the general population are insufficient to allow any conclusion about variant significance. To our knowledge, no occurrence of c.(5313+1_5314-1)_(5415+1_5416-1)del in individuals affected with Choreoacanthocytosis and no experimental evidence demonstrating its impact on protein function have been reported. There were no variants applicable as indirect evidence in this region. No submitters have cited clinical-significance assessments for this variant to ClinVar. Based on the evidence outlined above, the variant was classified as uncertain significance.